The following is an entry in ClinVar:

ClinVar aggregate classification (germline): Uncertain significance (1 of 4 stars; one submission).

Conditions:
Inborn genetic diseases. Identifiers: MedGen C0950123, MeSH D030342.

Submission:

Ambry Genetics
Classification: Uncertain significance for Inborn genetic diseases. Last evaluated: 2026-02-28. Review status: criteria provided, single submitter. Criteria: Ambry Variant Classification Scheme 2023. Collection method: clinical testing. Allele origin: germline.
Comment: The p.V1221G variant (also known as c.3662T>G), located in coding exon 25 of the ANKRD26 gene, results from a T to G substitution at nucleotide position 3662. The valine at codon 1221 is replaced by glycine, an amino acid with dissimilar properties. This amino acid position is conserved. In addition, this alteration is predicted to be tolerated by in silico analysis. Based on the available evidence, the clinical significance of this variant remains unclear.

NM_014915.3(ANKRD26):c.3662T>G (p.Val1221Gly)

Gene: ANKRD26 (ankyrin repeat domain 26; minus strand). Cytogenetic location: 10p12.1.
Variant type: single nucleotide variant.
Coding change: c.3662T>G on transcript NM_014915.3 (MANE Select); coding-DNA position 3662, T replaced by G.
Protein change: p.Val1221Gly; replaces valine 1221 with glycine.
Molecular consequence: missense variant.
Genome position (GRCh38, 1-based): chr10:27,033,370, A>C on the plus strand (T>G on the coding strand, the complement: ANKRD26 is on the minus strand). VCF-style: chr10-27033370-A-C. GRCh37 (hg19) VCF-style: chr10-27322299-A-C.
Other names: c.3659T>G, p.Val1220Gly (NM_001256053.2); short protein forms V1220G, V1221G.
Identifiers: ClinVar variation 4826408 (VCV004826408.1).
Genomic context (GRCh38, chr10:27,033,370, plus strand): 5'-GAAGCCTCTGACATAGATTGTTTTTTTAGGGTATCAGCTAGTTCTTGTTGAAGTTGTCTC[A>C]CAACAACCTGATAAGACATTTTGTTACTGATTTTATAAATCACCTTATTATTAAGTTATG-3'
Protein context (NP_055730.2, residues 1211-1231): ENEKAEREVV[Val1221Gly]RQLQQELADT